The following is an entry in ClinVar:

NM_006080.3(SEMA3A):c.1495-13A>T

Gene: SEMA3A (semaphorin 3A; minus strand). Cytogenetic location: 7q21.11.
Variant type: single nucleotide variant.
Coding change: c.1495-13A>T on transcript NM_006080.3 (MANE Select); 13 bases into the intron before coding-DNA position 1495, A replaced by T.
Molecular consequence: intron variant.
Genome position (GRCh38, 1-based): chr7:83,981,491, T>A on the plus strand (A>T on the coding strand, the complement: SEMA3A is on the minus strand). VCF-style: chr7-83981491-T-A. GRCh37 (hg19) VCF-style: chr7-83610807-T-A.
Identifiers: ClinVar variation 3020400 (VCV003020400.3), dbSNP rs552964434, ClinGen allele CA4322692.

ClinVar aggregate classification (germline): Uncertain significance (1 of 4 stars; one submission).

Allele frequency attached by ClinVar (database versions not stated): gnomAD 0.00007; TOPMed 0.00008; gnomAD exomes 0.00013; ExAC 0.00034; 1000 Genomes Project 0.00040; 1000 Genomes Project 30x 0.00047.
gnomAD v4.1: 195 of 1,567,928 alleles (0.012%); highest among the groups gnomAD compares: South Asian, 0.13%; 2 homozygotes.

Submission:

Labcorp Genetics (formerly Invitae), Labcorp
Classification: Uncertain significance. Last evaluated: 2023-07-07. Review status: criteria provided, single submitter. Criteria: Invitae Variant Classification Sherloc (09022015). Collection method: clinical testing. Allele origin: germline.
Comment: In summary, the available evidence is currently insufficient to determine the role of this variant in disease. Therefore, it has been classified as a Variant of Uncertain Significance. Algorithms developed to predict the effect of sequence changes on RNA splicing suggest that this variant may create or strengthen a splice site. This variant has not been reported in the literature in individuals affected with SEMA3A-related conditions. The frequency data for this variant in the population databases is considered unreliable, as metrics indicate poor data quality at this position in the gnomAD database. This sequence change falls in intron 13 of the SEMA3A gene. It does not directly change the encoded amino acid sequence of the SEMA3A protein.